The following is an entry in ClinVar:

ClinVar aggregate classification (germline): Uncertain significance (1 of 4 stars; one submission).

Allele frequency attached by ClinVar (database versions not stated): ExAC 0.00002; gnomAD exomes below 0.00001.
gnomAD v4.1: 1 of 1,565,060 alleles (0.000064%); highest among the groups gnomAD compares: Non-Finnish European, 0.000086%; no homozygotes.

Submission:

Labcorp Genetics (formerly Invitae), Labcorp
Classification: Uncertain significance. Last evaluated: 2023-01-20. Review status: criteria provided, single submitter. Criteria: Invitae Variant Classification Sherloc (09022015). Collection method: clinical testing. Allele origin: germline.
Comment: The frequency data for this variant in the population databases is considered unreliable, as metrics indicate poor data quality at this position in the gnomAD database. This variant has not been reported in the literature in individuals affected with KDM1A-related conditions. Algorithms developed to predict the effect of missense changes on protein structure and function (SIFT, PolyPhen-2, Align-GVGD) all suggest that this variant is likely to be tolerated. In summary, the available evidence is currently insufficient to determine the role of this variant in disease. Therefore, it has been classified as a Variant of Uncertain Significance. This sequence change replaces methionine, which is neutral and non-polar, with threonine, which is neutral and polar, at codon 97 of the KDM1A protein (p.Met97Thr).

NM_001009999.3(KDM1A):c.290T>C (p.Met97Thr)

Gene: KDM1A (lysine demethylase 1A; plus strand). Cytogenetic location: 1p36.12.
Variant type: single nucleotide variant.
Coding change: c.290T>C on transcript NM_001009999.3 (MANE Select); coding-DNA position 290, T replaced by C.
Protein change: p.Met97Thr; replaces methionine 97 with threonine.
Molecular consequence: missense variant.
Genome position (GRCh38, 1-based): chr1:23,019,886, T>C. VCF-style: chr1-23019886-T-C. GRCh37 (hg19) VCF-style: chr1-23346379-T-C.
Other names: c.290T>C, p.Met97Thr (NM_001363654.2, NM_001410762.1, NM_001410763.1 and 1 more transcripts); short protein forms M97T.
Identifiers: ClinVar variation 2830569 (VCV002830569.3), dbSNP rs758232431, ClinGen allele CA679425.